The following is an entry in ClinVar:

NM_001164508.2(NEB):c.9178A>G (p.Met3060Val)

Gene: NEB (nebulin; minus strand). Cytogenetic location: 2q23.3.
Variant type: single nucleotide variant.
Coding change: c.9178A>G on transcript NM_001164508.2 (MANE Select); coding-DNA position 9178, A replaced by G.
Protein change: p.Met3060Val; replaces methionine 3060 with valine.
Molecular consequence: missense variant. On other transcripts: intron variant (1).
Genome position (GRCh38, 1-based): chr2:151,633,890, T>C on the plus strand (A>G on the coding strand, the complement: NEB is on the minus strand). VCF-style: chr2-151633890-T-C. GRCh37 (hg19) VCF-style: chr2-152490404-T-C.
Other names: c.9178A>G, p.Met3060Val (NM_001164507.2, NM_001271208.2); c.8854-2712A>G (NM_004543.5); short protein forms M3060V.
Identifiers: ClinVar variation 465650 (VCV000465650.11), dbSNP rs538524863, ClinGen allele CA1909384.

ClinVar aggregate classification (germline): Uncertain significance. Review status: criteria provided, multiple submitters, no conflicts (2 of 4 stars). 4 submissions from 4 submitters: Uncertain significance (3). 1 of the submissions does not count toward it. Last evaluated 2024-09-20.

Conditions:
Nemaline myopathy 2 (NEM2). Also called: Nemaline myopathy 2, autosomal recessive. Identifiers: MedGen C1850569, MONDO:0009725, OMIM 256030.

Allele frequency attached by ClinVar (database versions not stated): TOPMed 0.00007; 1000 Genomes Project 30x 0.00016; gnomAD 0.00018 and 0.00021; gnomAD exomes 0.00018 and 0.00038; 1000 Genomes Project 0.00020; ExAC 0.00051.
gnomAD v4.1: 323 of 1,614,016 alleles (0.02%); highest among the groups gnomAD compares: Non-Finnish European, 0.016%; no homozygotes.

Submissions (4):

Blueprint Genetics
Classification: Uncertain significance. Last evaluated: 2024-09-20. Review status: criteria provided, single submitter. Criteria: ACMG Guidelines, 2015. Collection method: clinical testing. Allele origin: germline.

Women's Health and Genetics/Laboratory Corporation of America, LabCorp
Classification: Uncertain significance. Last evaluated: 2024-07-02. Review status: criteria provided, single submitter. Criteria: LabCorp Variant Classification Summary - May 2015. Collection method: clinical testing. Allele origin: germline.
Comment: Variant summary: NEB c.9178A>G (p.Met3060Val) results in a conservative amino acid change in the encoded protein sequence. Three of four in-silico tools predict a benign effect of the variant on protein function. The variant allele was found at a frequency of 0.00038 in 249242 control chromosomes. This frequency is not significantly higher than estimated for a pathogenic variant in NEB causing Nemaline Myopathy 2 (0.00038 vs 0.0035), allowing no conclusion about variant significance. To our knowledge, no occurrence of c.9178A>G in individuals affected with Nemaline Myopathy 2 and no experimental evidence demonstrating its impact on protein function have been reported. ClinVar contains an entry for this variant (Variation ID: 465650). Based on the evidence outlined above, the variant was classified as uncertain significance.

Labcorp Genetics (formerly Invitae), Labcorp
Classification: Uncertain significance for Nemaline myopathy 2. Last evaluated: 2022-07-30. Review status: criteria provided, single submitter. Criteria: Invitae Variant Classification Sherloc (09022015). Collection method: clinical testing. Allele origin: germline.
Comment: This sequence change replaces methionine, which is neutral and non-polar, with valine, which is neutral and non-polar, at codon 3060 of the NEB protein (p.Met3060Val). This variant is present in population databases (rs538524863, gnomAD 0.1%). This variant has not been reported in the literature in individuals affected with NEB-related conditions. ClinVar contains an entry for this variant (Variation ID: 465650). Algorithms developed to predict the effect of missense changes on protein structure and function are either unavailable or do not agree on the potential impact of this missense change (SIFT: "Deleterious"; PolyPhen-2: "Not Available"; Align-GVGD: "Class C0"). Algorithms developed to predict the effect of sequence changes on RNA splicing suggest that this variant may create or strengthen a splice site. In summary, the available evidence is currently insufficient to determine the role of this variant in disease. Therefore, it has been classified as a Variant of Uncertain Significance.

Natera, Inc.
Classification: Uncertain significance for Nemaline myopathy type 2. Last evaluated: 2019-11-11. Review status: no assertion criteria provided. Collection method: clinical testing. Allele origin: germline. Not counted in ClinVar's aggregate classification.